The following is an entry in ClinVar:

ClinVar aggregate classification (germline): Uncertain significance. Review status: criteria provided, multiple submitters, no conflicts (2 of 4 stars). 2 submissions from 2 submitters: Uncertain significance (2). Last evaluated 2026-03-07.

Conditions:
Hereditary breast ovarian cancer syndrome. Also called: BRCA1- and BRCA2-Associated Hereditary Breast and Ovarian Cancer; Hereditary breast and ovarian cancer; Breast and ovarian cancer; Hereditary breast and/or ovarian cancer syndrome; Hereditary breast and ovarian cancer syndrome (HBOC); Hereditary breast and ovarian cancer syndrome. Identifiers: Orphanet 145, MedGen C0677776, MeSH D061325, MONDO:0003582. Disease mechanism: loss of function.
Hereditary cancer-predisposing syndrome. Also called: Hereditary Cancer Syndrome; Neoplastic Syndromes, Hereditary; Tumor predisposition; Hereditary neoplastic syndrome. Identifiers: Orphanet 140162, MedGen C0027672, MeSH D009386, MONDO:0015356.

gnomAD v4.1: 1 of 1,614,094 alleles (0.000062%); highest among the groups gnomAD compares: Non-Finnish European, 0.000085%; no homozygotes.

Submissions (2):

Ambry Genetics
Classification: Uncertain significance for Hereditary cancer-predisposing syndrome. Last evaluated: 2026-03-07. Review status: criteria provided, single submitter. Criteria: Ambry Variant Classification Scheme 2023. Collection method: clinical testing. Allele origin: germline.
Comment: The p.V419A variant (also known as c.1256T>C), located in coding exon 9 of the BRCA1 gene, results from a T to C substitution at nucleotide position 1256. The valine at codon 419 is replaced by alanine, an amino acid with similar properties. This amino acid position is conserved. In addition, the in silico prediction for this alteration is inconclusive. Based on the available evidence, the clinical significance of this variant remains unclear.

Labcorp Genetics (formerly Invitae), Labcorp
Classification: Uncertain significance for Hereditary breast ovarian cancer syndrome. Last evaluated: 2024-10-15. Review status: criteria provided, single submitter. Criteria: Invitae Variant Classification Sherloc (09022015). Collection method: clinical testing. Allele origin: germline.
Comment: This sequence change replaces valine, which is neutral and non-polar, with alanine, which is neutral and non-polar, at codon 419 of the BRCA1 protein (p.Val419Ala). This variant is not present in population databases (gnomAD no frequency). This variant has not been reported in the literature in individuals affected with BRCA1-related conditions. Invitae Evidence Modeling of protein sequence and biophysical properties (such as structural, functional, and spatial information, amino acid conservation, physicochemical variation, residue mobility, and thermodynamic stability) indicates that this missense variant is not expected to disrupt BRCA1 protein function with a negative predictive value of 80%. In summary, the available evidence is currently insufficient to determine the role of this variant in disease. Therefore, it has been classified as a Variant of Uncertain Significance.

NM_007294.4(BRCA1):c.1256T>C (p.Val419Ala)

Gene: BRCA1 (BRCA1 DNA repair associated; minus strand). Cytogenetic location: 17q21.31.
Variant type: single nucleotide variant.
Coding change: c.1256T>C on transcript NM_007294.4 (MANE Select); coding-DNA position 1256, T replaced by C.
Protein change: p.Val419Ala; replaces valine 419 with alanine.
Molecular consequence: missense variant. On other transcripts: intron variant (137).
Genome position (GRCh38, 1-based): chr17:43,094,275, A>G on the plus strand (T>C on the coding strand, the complement: BRCA1 is on the minus strand). VCF-style: chr17-43094275-A-G. GRCh37 (hg19) VCF-style: chr17-41246292-A-G.
Other names: c.1043T>C, p.Val348Ala (NM_001407571.1, NM_001407915.1, NM_001407916.1 and 9 more transcripts); c.1256T>C, p.Val419Ala (NM_001407581.1, NM_001407582.1, NM_001407583.1 and 30 more transcripts); c.1253T>C, p.Val418Ala (NM_001407587.1, NM_001407590.1, NM_001407591.1 and 22 more transcripts); c.1115T>C, p.Val372Ala (NM_001407945.1, NM_001407944.1, NM_001407692.1 and 29 more transcripts); c.923T>C, p.Val308Ala (NM_001407946.1, NM_001407947.1, NM_001407948.1 and 6 more transcripts); c.920T>C, p.Val307Ala (NM_001407954.1, NM_001407955.1, NM_001407956.1 and 1 more transcripts); c.1112T>C, p.Val371Ala (NM_001407943.1, NM_001407740.1, NM_001407741.1 and 20 more transcripts); c.1178T>C, p.Val393Ala (NM_001407654.1, NM_001407655.1, NM_001407656.1 and 4 more transcripts); and 40 more; short protein forms V291A, V331A, V348A, V351A, V372A, V392A, V308A, V352A.
Identifiers: ClinVar variation 3634697 (VCV003634697.3).